The following is an entry in ClinVar:

NM_001252024.2(TRPM1):c.3496_3496+1del

Genes: TRPM1-AS1 (TRPM1 antisense RNA 1; plus strand), TRPM1 (transient receptor potential cation channel subfamily M member 1; minus strand), LOC126862088 (BRD4-independent group 4 enhancer GRCh37_chr15:31318084-31319283; plus strand). Cytogenetic location: 15q13.3.
Variant type: Deletion.
Coding change: c.3496_3496+1del on transcript NM_001252024.2 (MANE Select); coding-DNA position 3496 through the canonical splice donor site of the intron after coding-DNA position 3496, 2 bases deleted (AG; older notation c.3496_3496+1delAG).
Molecular consequence: splice donor variant.
Genome position (GRCh38, 1-based): chr15:31,026,914-31,026,915, CT deleted on the plus strand (AG on the coding strand, the reverse complement: TRPM1 is on the minus strand); deleting any 2 consecutive bases within chr15:31,026,914-31,026,916 gives the same sequence; the c. name uses the placement nearest the transcript's 3' end. VCF-style (leftmost placement, unchanged base first): chr15-31026913-ACT-A. GRCh37 (hg19) VCF-style: chr15-31319116-ACT-A.
Other names: c.3547_3547+1del (NM_001252020.2); c.3430_3430+1del (NM_002420.6).
Identifiers: ClinVar variation 3363166 (VCV003363166.2).

ClinVar aggregate classification (germline): Pathogenic (1 of 4 stars; one submission).

Conditions:
Congenital stationary night blindness 1C. Also called: Night blindness, congenital stationary (complete), 1C, autosomal recessive. Identifiers: Orphanet 215, MedGen C2750747, MONDO:0013183, OMIM 613216.

Submission:

SN ONGC Dept of Genetics and Molecular biology Vision Research Foundation
Classification: Pathogenic for Congenital stationary night blindness 1C. Last evaluated: 2024-10-19. Review status: criteria provided, single submitter. Criteria: ACMG Guidelines, 2015. Collection method: research. Allele origin: biparental. Inheritance: Autosomal recessive inheritance. Affected: yes. Observed: 1 homozygote.
Comment: The c.3547+1 del variant in TRPM1 has been identified in an Indian study in an homozygous state exhibiting an autosomal recessive inheritance pattern. The variant was found to segregate with the disease in both parents. Notably, it was absent in 100 screened control individuals.